The following is an entry in ClinVar:

ClinVar aggregate classification (germline): Uncertain significance (1 of 4 stars; one submission).

Conditions:
Glanzmann thrombasthenia. Also called: Glanzmann's thrombasthenia; BLEEDING DISORDER, PLATELET-TYPE, 2; THROMBASTHENIA OF GLANZMANN AND NAEGELI; Thrombasthenia; PLATELET GLYCOPROTEIN IIb-IIIa DEFICIENCY. Identifiers: Orphanet 849, MedGen C0040015, MONDO:0100326.

gnomAD v4.1: 5 of 1,613,484 alleles (0.00031%); highest among the groups gnomAD compares: Admixed American, 0.005%; no homozygotes.

Submission:

Labcorp Genetics (formerly Invitae), Labcorp
Classification: Uncertain significance for Glanzmann thrombasthenia. Last evaluated: 2024-07-22. Review status: criteria provided, single submitter. Criteria: Invitae Variant Classification Sherloc (09022015). Collection method: clinical testing. Allele origin: germline.
Comment: This sequence change replaces glycine, which is neutral and non-polar, with glutamic acid, which is acidic and polar, at codon 333 of the ITGA2B protein (p.Gly333Glu). This variant also falls at the last nucleotide of exon 11, which is part of the consensus splice site for this exon. This variant is present in population databases (no rsID available, gnomAD 0.009%). This variant has not been reported in the literature in individuals affected with ITGA2B-related conditions. An algorithm developed to predict the effect of missense changes on protein structure and function (PolyPhen-2) suggests that this variant is likely to be disruptive. Variants that disrupt the consensus splice site are a relatively common cause of aberrant splicing (PMID: 17576681, 9536098). Algorithms developed to predict the effect of sequence changes on RNA splicing suggest that this variant may disrupt the consensus splice site. In summary, the available evidence is currently insufficient to determine the role of this variant in disease. Therefore, it has been classified as a Variant of Uncertain Significance.

Literature cited by the submitters: PubMed 17576681; PubMed 9536098.

NM_000419.5(ITGA2B):c.998G>A (p.Gly333Glu)

Gene: ITGA2B (integrin subunit alpha 2b; minus strand). Cytogenetic location: 17q21.31.
Variant type: single nucleotide variant.
Coding change: c.998G>A on transcript NM_000419.5 (MANE Select); coding-DNA position 998, G replaced by A.
Protein change: p.Gly333Glu; replaces glycine 333 with glutamic acid.
Molecular consequence: missense variant.
Genome position (GRCh38, 1-based): chr17:44,383,894, C>T on the plus strand (G>A on the coding strand, the complement: ITGA2B is on the minus strand). VCF-style: chr17-44383894-C-T. GRCh37 (hg19) VCF-style: chr17-42461262-C-T.
Other names: short protein forms G333E.
Identifiers: ClinVar variation 3712350 (VCV003712350.2).